The following is an entry in ClinVar:

NM_001111.5(ADAR):c.3002G>A (p.Arg1001His)

Gene: ADAR (adenosine deaminase RNA specific; minus strand). Cytogenetic location: 1q21.3.
Variant type: single nucleotide variant.
Coding change: c.3002G>A on transcript NM_001111.5 (MANE Select); coding-DNA position 3002, G replaced by A.
Protein change: p.Arg1001His; replaces arginine 1001 with histidine.
Molecular consequence: missense variant.
Genome position (GRCh38, 1-based): chr1:154,588,142, C>T on the plus strand (G>A on the coding strand, the complement: ADAR is on the minus strand). VCF-style: chr1-154588142-C-T. GRCh37 (hg19) VCF-style: chr1-154560618-C-T.
Other names: c.2117G>A, p.Arg706His (NM_001025107.3, NM_001193495.2, NM_001365046.1 and 2 more transcripts); c.3029G>A, p.Arg1010His (NM_001365045.1); c.2039G>A, p.Arg680His (NM_001365049.1); c.2924G>A, p.Arg975His (NM_015840.4); c.2867G>A, p.Arg956His (NM_015841.4); short protein forms R1010H, R706H, R1001H, R680H, R975H, R956H.
Identifiers: ClinVar variation 968609 (VCV000968609.9), dbSNP rs1571058184, ClinGen allele CA342635954.

ClinVar aggregate classification (germline): Uncertain significance. Review status: criteria provided, multiple submitters, no conflicts (2 of 4 stars). 2 submissions from 2 submitters: Uncertain significance (2). Last evaluated 2025-11-28.

Conditions:
Aicardi-Goutieres syndrome 6 (AGS6). Identifiers: Orphanet 51, MedGen C3539013, MONDO:0014007, OMIM 615010.
Symmetrical dyschromatosis of extremities (DSH). Also called: Dyschromatosis symmetrica hereditaria; RETICULATE ACROPIGMENTATION OF DOHI; SYMMETRIC DYSCHROMATOSIS OF THE EXTREMITIES; DYSCHROMATOSIS SYMMETRICA HEREDITARIA 1. Identifiers: Orphanet 41, MedGen C0406775, MONDO:0007483, OMIM 127400.

Allele frequency attached by ClinVar (database versions not stated): gnomAD exomes below 0.00001; TOPMed below 0.00001.
gnomAD v4.1: 4 of 1,613,910 alleles (0.00025%); highest among the groups gnomAD compares: Non-Finnish European, 0.00034%; no homozygotes.

Submissions (2):

Labcorp Genetics (formerly Invitae), Labcorp
Classification: Uncertain significance for Aicardi-Goutieres syndrome 6; Symmetrical dyschromatosis of extremities. Last evaluated: 2025-11-28. Review status: criteria provided, single submitter. Criteria: Invitae Variant Classification Sherloc (09022015). Collection method: clinical testing. Allele origin: germline.
Comment: This sequence change replaces arginine, which is basic and polar, with histidine, which is basic and polar, at codon 1001 of the ADAR protein (p.Arg1001His). This variant is not present in population databases (gnomAD no frequency). This variant has not been reported in the literature in individuals affected with ADAR-related conditions. ClinVar contains an entry for this variant (Variation ID: 968609). Invitae Evidence Modeling of protein sequence and biophysical properties (such as structural, functional, and spatial information, amino acid conservation, physicochemical variation, residue mobility, and thermodynamic stability) has been performed for this missense variant. However, the output from this modeling did not meet the statistical confidence thresholds required to predict the impact of this variant on ADAR protein function. In summary, the available evidence is currently insufficient to determine the role of this variant in disease. Therefore, it has been classified as a Variant of Uncertain Significance.

Blueprint Genetics
Classification: Uncertain significance. Last evaluated: 2024-08-20. Review status: criteria provided, single submitter. Criteria: ACMG Guidelines, 2015. Collection method: clinical testing. Allele origin: germline.